The following is an entry in ClinVar:

NM_000246.4(CIITA):c.1552G>C (p.Ala518Pro)

Gene: CIITA (class II major histocompatibility complex transactivator; plus strand). Cytogenetic location: 16p13.13.
Variant type: single nucleotide variant.
Coding change: c.1552G>C on transcript NM_000246.4 (MANE Select); coding-DNA position 1552, G replaced by C.
Protein change: p.Ala518Pro; replaces alanine 518 with proline.
Molecular consequence: missense variant. On other transcripts: intron variant (1).
Genome position (GRCh38, 1-based): chr16:10,907,044, G>C. VCF-style: chr16-10907044-G-C. GRCh37 (hg19) VCF-style: chr16-11000901-G-C.
Other names: c.1483G>C, p.Ala495Pro (NM_001379334.1); c.860-1939G>C (NM_001286403.2); c.1555G>C, p.Ala519Pro (NM_001286402.1, NM_001379332.1); c.1408G>C, p.Ala470Pro (NM_001379330.1); c.1405G>C, p.Ala469Pro (NM_001379331.1); c.1552G>C, p.Ala518Pro (NM_001379333.1); short protein forms A469P, A495P, A470P, A518P, A519P.
Identifiers: ClinVar variation 1034124 (VCV001034124.1), dbSNP rs866050153, ClinGen allele CA394731044.
Genomic context (GRCh38, chr16:10,907,044, plus strand): 5'-CTAGACGGCTTCGAGGAGCTGGAAGCGCAAGATGGCTTCCTGCACAGCACGTGCGGACCG[G>C]CACCGGCGGAGCCCTGCTCCCTCCGGGGGCTGCTGGCCGGCCTTTTCCAGAAGAAGCTGC-3'
Protein context (NP_000237.2, residues 508-528): DGFLHSTCGP[Ala518Pro]PAEPCSLRGL

ClinVar aggregate classification (germline): Uncertain significance (1 of 4 stars; one submission).

Conditions:
MHC class II deficiency. Also called: BLS, TYPE II; Bare lymphocyte syndrome 2. Identifiers: Orphanet 572, MedGen C5447452, MONDO:0008855.

gnomAD v4.1: 2 of 1,607,416 alleles (0.00012%); highest among the groups gnomAD compares: African/African-American, 0.0027%; no homozygotes.

Submission:

Baylor Genetics
Classification: Uncertain significance for MHC class II deficiency 1. Last evaluated: 2018-03-08. Review status: criteria provided, single submitter. Criteria: ACMG Guidelines, 2015. Collection method: clinical testing. Allele origin: maternal. Affected: yes.
Comment: This variant was determined to be of uncertain significance according to ACMG Guidelines, 2015 [PMID:25741868].